The following is an entry in ClinVar:

ClinVar aggregate classification (germline): Uncertain significance (1 of 4 stars; one submission).

Allele frequency attached by ClinVar (database versions not stated): gnomAD exomes below 0.00001.
gnomAD v4.1: 1 of 1,564,978 alleles (0.000064%); highest among the groups gnomAD compares: Non-Finnish European, 0.000087%; no homozygotes.

Submission:

Labcorp Genetics (formerly Invitae), Labcorp
Classification: Uncertain significance. Last evaluated: 2022-05-28. Review status: criteria provided, single submitter. Criteria: Invitae Variant Classification Sherloc (09022015). Collection method: clinical testing. Allele origin: germline.
Comment: Advanced modeling of protein sequence and biophysical properties (such as structural, functional, and spatial information, amino acid conservation, physicochemical variation, residue mobility, and thermodynamic stability) performed at Invitae indicates that this missense variant is not expected to disrupt COL11A2 protein function. This variant has not been reported in the literature in individuals affected with COL11A2-related conditions. This variant is not present in population databases (gnomAD no frequency). This sequence change replaces proline, which is neutral and non-polar, with serine, which is neutral and polar, at codon 1615 of the COL11A2 protein (p.Pro1615Ser). In summary, the available evidence is currently insufficient to determine the role of this variant in disease. Therefore, it has been classified as a Variant of Uncertain Significance.

NM_080680.3(COL11A2):c.4843C>T (p.Pro1615Ser)

Gene: COL11A2 (collagen type XI alpha 2 chain; minus strand). Cytogenetic location: 6p21.32.
Variant type: single nucleotide variant.
Coding change: c.4843C>T on transcript NM_080680.3 (MANE Select); coding-DNA position 4843, C replaced by T.
Protein change: p.Pro1615Ser; replaces proline 1615 with serine.
Molecular consequence: missense variant.
Genome position (GRCh38, 1-based): chr6:33,164,872, G>A on the plus strand (C>T on the coding strand, the complement: COL11A2 is on the minus strand). VCF-style: chr6-33164872-G-A. GRCh37 (hg19) VCF-style: chr6-33132649-G-A.
Other names: c.4522C>T, p.Pro1508Ser (NM_080679.3); c.4585C>T, p.Pro1529Ser (NM_080681.3); short protein forms P1508S, P1529S, P1615S.
Identifiers: ClinVar variation 2161737 (VCV002161737.4), dbSNP rs2534410360, ClinGen allele CA363617448.